The following is an entry in ClinVar:

NM_002693.3(POLG):c.865A>C (p.Met289Leu)

Gene: POLG (DNA polymerase gamma, catalytic subunit; minus strand). Cytogenetic location: 15q26.1.
Variant type: single nucleotide variant.
Coding change: c.865A>C on transcript NM_002693.3 (MANE Select); coding-DNA position 865, A replaced by C.
Protein change: p.Met289Leu; replaces methionine 289 with leucine.
Molecular consequence: missense variant.
Genome position (GRCh38, 1-based): chr15:89,329,101, T>G on the plus strand (A>C on the coding strand, the complement: POLG is on the minus strand). VCF-style: chr15-89329101-T-G. GRCh37 (hg19) VCF-style: chr15-89872332-T-G.
Other names: p.Met289Leu; c.865A>C, p.Met289Leu (NM_001126131.2); c.865A>C (NM_002693.2); short protein forms M289L.
Identifiers: ClinVar variation 1480448 (VCV001480448.7), dbSNP rs2152068187, ClinGen allele CA393766174.

ClinVar aggregate classification (germline): Uncertain significance. Review status: criteria provided, multiple submitters, no conflicts (2 of 4 stars). 2 submissions from 2 submitters: Uncertain significance (2). Last evaluated 2025-08-14.

Conditions:
Progressive sclerosing poliodystrophy (MTDPS4A). Also called: Mitochondrial DNA depletion syndrome 4A (Alpers type); ALPERS PROGRESSIVE INFANTILE POLIODYSTROPHY; NEURONAL DEGENERATION OF CHILDHOOD WITH LIVER DISEASE, PROGRESSIVE; Mitochondrial DNA Depletion Syndrome 4A; Alpers-Huttenlocher Syndrome (AHS); Alpers Syndrome. Identifiers: Orphanet 726, MedGen C0205710, MONDO:0008758, OMIM 203700.

Submissions (2):

Mayo Clinic Laboratories, Mayo Clinic
Classification: Uncertain significance. Last evaluated: 2025-08-14. Review status: criteria provided, single submitter. Criteria: ACMG Guidelines, 2015. Collection method: clinical testing. Allele origin: germline. Observed: 1 variant allele.
Comment: BP4

Labcorp Genetics (formerly Invitae), Labcorp
Classification: Uncertain significance for Progressive sclerosing poliodystrophy. Last evaluated: 2022-10-27. Review status: criteria provided, single submitter. Criteria: Invitae Variant Classification Sherloc (09022015). Collection method: clinical testing. Allele origin: germline.
Comment: This variant has not been reported in the literature in individuals affected with POLG-related conditions. ClinVar contains an entry for this variant (Variation ID: 1480448). Advanced modeling of protein sequence and biophysical properties (such as structural, functional, and spatial information, amino acid conservation, physicochemical variation, residue mobility, and thermodynamic stability) performed at Invitae indicates that this missense variant is not expected to disrupt POLG protein function. In summary, the available evidence is currently insufficient to determine the role of this variant in disease. Therefore, it has been classified as a Variant of Uncertain Significance. This variant is not present in population databases (gnomAD no frequency). This sequence change replaces methionine, which is neutral and non-polar, with leucine, which is neutral and non-polar, at codon 289 of the POLG protein (p.Met289Leu).